The following is an entry in ClinVar:

NM_000059.4(BRCA2):c.1587del (p.Phe529fs)

Gene: BRCA2 (BRCA2 DNA repair associated; plus strand). Cytogenetic location: 13q13.1.
Variant type: Deletion.
Coding change: c.1587del on transcript NM_000059.4 (MANE Select); coding-DNA position 1587, one base deleted (T; older notation c.1587delT).
Protein change: p.Phe529fs; shifts the reading frame from phenylalanine 529.
Molecular consequence: frameshift variant. On other transcripts: non-coding transcript variant (1), intron variant (1).
Genome position (GRCh38, 1-based): chr13:32,333,065, T deleted; the last of 3 consecutive T bases (chr13:32,333,063-32,333,065); deleting any one gives the same sequence. VCF-style (leftmost placement, unchanged base first): chr13-32333062-CT-C. GRCh37 (hg19) VCF-style: chr13-32907199-CT-C.
Other names: c.1587delT, p.Phe529Leufs (NM_000059.3); c.1587del, p.Phe529fs (NM_001406719.1, NM_001406720.1, NM_001406721.1 and 1 more transcripts); c.424+2035del (NM_001406722.1); short protein forms F529fs.
Identifiers: ClinVar variation 3572342 (VCV003572342.1).

ClinVar aggregate classification (germline): Pathogenic (1 of 4 stars; one submission).

Submission:

Quest Diagnostics Nichols Institute San Juan Capistrano
Classification: Pathogenic. Last evaluated: 2024-08-13. Review status: criteria provided, single submitter. Criteria: Quest Diagnostics criteria. Collection method: clinical testing. Allele origin: unknown.
Comment: The BRCA2 c.1587del (p.Phe529Leufs*29) variant alters the translational reading frame of the BRCA2 mRNA and causes the premature termination of BRCA2 protein synthesis. This variant has not been reported in individuals with BRCA2-related conditions in the published literature. This variant has not been reported in large, multi-ethnic general populations (Genome Aggregation Database). Based on the available information, this variant is classified as pathogenic.